The following is an entry in ClinVar:

NM_000817.3(GAD1):c.1173C>T (p.Asn391=)

Gene: GAD1 (glutamate decarboxylase 1; plus strand). Cytogenetic location: 2q31.1.
Variant type: single nucleotide variant.
Coding change: c.1173C>T on transcript NM_000817.3 (MANE Select); coding-DNA position 1173, C replaced by T.
Protein change: p.Asn391=; no amino-acid change (asparagine 391 retained).
Molecular consequence: synonymous variant.
Genome position (GRCh38, 1-based): chr2:170,849,339, C>T. VCF-style: chr2-170849339-C-T. GRCh37 (hg19) VCF-style: chr2-171705849-C-T.
Identifiers: ClinVar variation 332235 (VCV000332235.43), dbSNP rs34856125, ClinGen allele CA1962874.

ClinVar aggregate classification (germline): Conflicting classifications of pathogenicity. Review status: criteria provided, conflicting classifications (1 of 4 stars). 4 submissions from 4 submitters: Uncertain significance (1); Likely benign (3). Last evaluated 2025-12-17.

Conditions:
Neurodevelopmental disorder with progressive spasticity and brain white matter abnormalities. Also called: CEREBRAL PALSY, SPASTIC QUADRIPLEGIC, 1. Identifiers: Orphanet 210141, Orphanet 641353, MedGen C5436628, MONDO:0033613, OMIM 619026.

Allele frequency attached by ClinVar (database versions not stated): gnomAD exomes 0.00041 and 0.00055; ESP Exome Variant Server 0.00046; ExAC 0.00061; gnomAD 0.00094 and 0.00095; 1000 Genomes Project 30x 0.00125; 1000 Genomes Project 0.00140; TOPMed 0.00144.
gnomAD v4.1: 792 of 1,614,122 alleles (0.049%); highest among the groups gnomAD compares: Middle Eastern, 0.49%; 4 homozygotes.

Submissions (4):

Labcorp Genetics (formerly Invitae), Labcorp
Classification: Likely benign for Neurodevelopmental disorder with progressive spasticity and brain white matter abnormalities. Last evaluated: 2025-12-17. Review status: criteria provided, single submitter. Criteria: Invitae Variant Classification Sherloc (09022015). Collection method: clinical testing. Allele origin: germline.

CeGaT Center for Human Genetics Tuebingen
Classification: Likely benign. Last evaluated: 2025-10-01. Review status: criteria provided, single submitter. Criteria: CeGaT Center For Human Genetics Tuebingen Variant Classification Criteria Version 2. Collection method: clinical testing. Allele origin: germline. Affected: yes. Observed: 11 variant alleles.
Comment: GAD1: BP4, BP7

Blueprint Genetics
Classification: Likely benign. Last evaluated: 2024-10-21. Review status: criteria provided, single submitter. Criteria: ACMG Guidelines, 2015. Collection method: clinical testing. Allele origin: germline.

Illumina Laboratory Services, Illumina
Classification: Uncertain significance. Last evaluated: 2018-01-13. Review status: criteria provided, single submitter. Criteria: ICSL Variant Classification Criteria 13 December 2019. Collection method: clinical testing. Allele origin: germline.